The following is an entry in ClinVar:

ClinVar aggregate classification (germline): Benign/Likely benign. Review status: criteria provided, multiple submitters, no conflicts (2 of 4 stars). 6 submissions from 6 submitters: Benign (4); Likely benign (2). Last evaluated 2026-01-28.

Conditions:
Monogenic diabetes. Identifiers: Orphanet 183625, MedGen C3888631, MONDO:0015967.
Hyperinsulinism-hyperammonemia syndrome (HHF6). Identifiers: Orphanet 35878, MedGen C1847555, MONDO:0011717, OMIM 606762.

Allele frequency attached by ClinVar (database versions not stated): 1000 Genomes Project 30x 0.00874; TOPMed 0.00890; 1000 Genomes Project 0.00839; gnomAD 0.00843 and 0.00775; ESP Exome Variant Server 0.00808.
gnomAD v4.1: 2,469 of 1,613,326 alleles (0.15%); highest among the groups gnomAD compares: African/African-American, 3%; 27 homozygotes.

Submissions (6):

Labcorp Genetics (formerly Invitae), Labcorp
Classification: Benign for Hyperinsulinism-hyperammonemia syndrome. Last evaluated: 2026-01-28. Review status: criteria provided, single submitter. Criteria: Invitae Variant Classification Sherloc (09022015). Collection method: clinical testing. Allele origin: germline.

Personalized Diabetes Medicine Program, University of Maryland School of Medicine
Classification: Benign for Monogenic diabetes. Last evaluated: 2018-12-21. Review status: criteria provided, single submitter. Criteria: ACMG Guidelines, 2015. Collection method: research. Allele origin: unknown. Observed: 10 variant alleles, 10 heterozygotes.
Comment: ACMG criteria: BP5 (seen in patient with GCK pathogenic variant), BS2 (found in 74 controls in T2DM database and 58 cases) and BA1 (2.8% MAF in gnomAD AA and 9 Today study individuals has the same variant ): benign; NOTE: GLUD1 variants for hyperinsulinemia are found in exons 6, 7, 10, 11 and 12, this variant is in exon 1." (REVEL 0.318 + PP3/4 predictors + BP4/6 predictor: conflicting evidence, not using)

Illumina Laboratory Services, Illumina
Classification: Likely benign for Hyperinsulinism-hyperammonemia syndrome. Last evaluated: 2018-01-12. Review status: criteria provided, single submitter. Criteria: ICSL Variant Classification Criteria 13 December 2019. Collection method: clinical testing. Allele origin: germline.
Comment: This variant was observed in the ICSL laboratory as part of a predisposition screen in an ostensibly healthy population. It had not been previously curated by ICSL or reported in the Human Gene Mutation Database (HGMD: prior to June 1st, 2018), and was therefore a candidate for classification through an automated scoring system. Utilizing variant allele frequency, disease prevalence and penetrance estimates, and inheritance mode, an automated score was calculated to assess if this variant is too frequent to cause the disease. Based on the score and internal cut-off values, a variant classified as likely benign is not then subjected to further curation. The score for this variant resulted in a classification of likely benign for this disease.

GeneDx
Classification: Benign. Last evaluated: 2015-03-03. Review status: criteria provided, single submitter. Criteria: GeneDx Variant Classification Process June 2021. Collection method: clinical testing. Allele origin: germline. Affected: yes.

Breakthrough Genomics
Classification: Likely benign. Review status: criteria provided, single submitter. Criteria: ACMG Guidelines, 2015. Collection method: not provided. Allele origin: germline. Inheritance: Autosomal dominant inheritance. Affected: yes.

PreventionGenetics, part of Exact Sciences
Classification: Benign. Review status: criteria provided, single submitter. Criteria: ACMG Guidelines, 2015. Collection method: clinical testing. Allele origin: germline.

NM_005271.5(GLUD1):c.376G>A (p.Asp126Asn)

Genes: GLUD1 (glutamate dehydrogenase 1; minus strand), LOC130004254 (ATAC-STARR-seq lymphoblastoid silent region 2576; plus strand). Cytogenetic location: 10q23.2.
Variant type: single nucleotide variant.
Coding change: c.376G>A on transcript NM_005271.5 (MANE Select); coding-DNA position 376, G replaced by A.
Protein change: p.Asp126Asn; replaces aspartic acid 126 with asparagine.
Molecular consequence: missense variant. On other transcripts: 5 prime UTR variant (3).
Genome position (GRCh38, 1-based): chr10:87,094,394, C>T on the plus strand (G>A on the coding strand, the complement: GLUD1 is on the minus strand). VCF-style: chr10-87094394-C-T. GRCh37 (hg19) VCF-style: chr10-88854151-C-T.
Other names: c.-353G>A (NM_001318904.2); c.-479G>A (NM_001318905.2); c.-186G>A (NM_001318906.2); short protein forms D126N.
Identifiers: ClinVar variation 259740 (VCV000259740.21), dbSNP rs139579928, ClinGen allele CA5587724.